The following is an entry in ClinVar:

NM_014907.3(FRMPD1):c.2536T>G (p.Tyr846Asp)

Gene: FRMPD1 (FERM and PDZ domain containing 1; plus strand). Cytogenetic location: 9p13.2.
Variant type: single nucleotide variant.
Coding change: c.2536T>G on transcript NM_014907.3 (MANE Select); coding-DNA position 2536, T replaced by G.
Protein change: p.Tyr846Asp; replaces tyrosine 846 with aspartic acid.
Molecular consequence: missense variant.
Genome position (GRCh38, 1-based): chr9:37,744,568, T>G. VCF-style: chr9-37744568-T-G. GRCh37 (hg19) VCF-style: chr9-37744565-T-G.
Other names: c.2536T>G, p.Tyr846Asp (NM_001371223.1, NM_001371224.1, NM_001371225.1); short protein forms Y846D.
Identifiers: ClinVar variation 2659197 (VCV002659197.24), dbSNP rs34233395, ClinGen allele CA5061862.

ClinVar aggregate classification (germline): Likely benign (1 of 4 stars; one submission).

Allele frequency attached by ClinVar (database versions not stated): 1000 Genomes Project 30x 0.00390; 1000 Genomes Project 0.00439; TOPMed 0.00665; ESP Exome Variant Server 0.00684; ExAC 0.00757; gnomAD 0.00815; gnomAD exomes 0.00874.
gnomAD v4.1: 13,935 of 1,614,114 alleles (0.86%); highest among the groups gnomAD compares: Non-Finnish European, 0.94%; 100 homozygotes.

Submission:

CeGaT Center for Human Genetics Tuebingen
Classification: Likely benign. Last evaluated: 2023-02-01. Review status: criteria provided, single submitter. Criteria: CeGaT Center For Human Genetics Tuebingen Variant Classification Criteria Version 2. Collection method: clinical testing. Allele origin: germline. Affected: yes. Observed: 1 variant allele.
Comment: FRMPD1: BP4, BS2